The following is an entry in ClinVar:

NM_032447.5(FBN3):c.6478C>A (p.Leu2160Ile)

Gene: FBN3 (fibrillin 3; minus strand). Cytogenetic location: 19p13.2.
Variant type: single nucleotide variant.
Coding change: c.6478C>A on transcript NM_032447.5 (MANE Select); coding-DNA position 6478, C replaced by A.
Protein change: p.Leu2160Ile; replaces leucine 2160 with isoleucine.
Molecular consequence: missense variant.
Genome position (GRCh38, 1-based): chr19:8,088,078, G>T on the plus strand (C>A on the coding strand, the complement: FBN3 is on the minus strand). VCF-style: chr19-8088078-G-T. GRCh37 (hg19) VCF-style: chr19-8152962-G-T.
Other names: c.6478C>A, p.Leu2160Ile (NM_001321431.2); short protein forms L2160I.
Identifiers: ClinVar variation 1933831 (VCV001933831.5), dbSNP rs2512637499, ClinGen allele CA403715062.

ClinVar aggregate classification (germline): Uncertain significance (1 of 4 stars; one submission).

Submission:

Labcorp Genetics (formerly Invitae), Labcorp
Classification: Uncertain significance. Last evaluated: 2025-12-01. Review status: criteria provided, single submitter. Criteria: Invitae Variant Classification Sherloc (09022015). Collection method: clinical testing. Allele origin: germline.
Comment: This sequence change replaces leucine, which is neutral and non-polar, with isoleucine, which is neutral and non-polar, at codon 2160 of the FBN3 protein (p.Leu2160Ile). This variant is not present in population databases (gnomAD no frequency). This variant has not been reported in the literature in individuals affected with FBN3-related conditions. ClinVar contains an entry for this variant (Variation ID: 1933831). Invitae Evidence Modeling of protein sequence and biophysical properties (such as structural, functional, and spatial information, amino acid conservation, physicochemical variation, residue mobility, and thermodynamic stability) indicates that this missense variant is expected to disrupt FBN3 protein function with a positive predictive value of 80%. In summary, the available evidence is currently insufficient to determine the role of this variant in disease. Therefore, it has been classified as a Variant of Uncertain Significance.